The following is an entry in ClinVar:

ClinVar aggregate classification (germline): Likely benign. Review status: criteria provided, multiple submitters, no conflicts (2 of 4 stars). 2 submissions from 2 submitters: Likely benign (2). Last evaluated 2025-10-08.

Allele frequency attached by ClinVar (database versions not stated): gnomAD 0.00002; ExAC 0.00003; gnomAD exomes 0.00003; TOPMed 0.00003; ESP Exome Variant Server 0.00008.
gnomAD v4.1: 32 of 1,613,920 alleles (0.002%); highest among the groups gnomAD compares: Middle Eastern, 0.016%; no homozygotes.

Submissions (2):

Mayo Clinic Laboratories, Mayo Clinic
Classification: Likely benign. Last evaluated: 2025-10-08. Review status: criteria provided, single submitter. Criteria: ACMG Guidelines, 2015. Collection method: clinical testing. Allele origin: germline. Observed: 1 variant allele.
Comment: BP4, BP7

Labcorp Genetics (formerly Invitae), Labcorp
Classification: Likely benign. Last evaluated: 2024-01-04. Review status: criteria provided, single submitter. Criteria: Invitae Variant Classification Sherloc (09022015). Collection method: clinical testing. Allele origin: germline.

NM_000064.4(C3):c.2526C>T (p.Asn842=)

Gene: C3 (complement C3; minus strand). Cytogenetic location: 19p13.3.
Variant type: single nucleotide variant.
Coding change: c.2526C>T on transcript NM_000064.4 (MANE Select); coding-DNA position 2526, C replaced by T.
Protein change: p.Asn842=; no amino-acid change (asparagine 842 retained).
Molecular consequence: synonymous variant.
Genome position (GRCh38, 1-based): chr19:6,697,709, G>A on the plus strand (C>T on the coding strand, the complement: C3 is on the minus strand). VCF-style: chr19-6697709-G-A. GRCh37 (hg19) VCF-style: chr19-6697720-G-A.
Other names: p.Asn842=.
Identifiers: ClinVar variation 1640948 (VCV001640948.9), dbSNP rs369986898, ClinGen allele CA9129048.
Genomic context (GRCh38, chr19:6,697,709, plus strand): 5'-CACCTTGAGCTCTTGGTTCTGCCGGTAATTGTAGAGAACGGCTCGGATTTCCACCTGCTC[G>A]TTTCGAACAACAGAGTAGGGTAGCCGCAGGTCGATGAAGAAGTCCTGCATTACTGTGACC-3'
Protein context (NP_000055.2, residues 832-852): DLRLPYSVVR[Asn842=]EQVEIRAVLY